The following is an entry in ClinVar:

NM_000170.3(GLDC):c.2616del (p.Lys872fs)

Gene: GLDC (glycine decarboxylase; minus strand). Cytogenetic location: 9p24.1.
Variant type: Deletion.
Coding change: c.2616del on transcript NM_000170.3 (MANE Select); coding-DNA position 2616, one base deleted (G; older notation c.2616delG).
Protein change: p.Lys872fs; shifts the reading frame from lysine 872.
Molecular consequence: frameshift variant.
Genome position (GRCh38, 1-based): chr9:6,540,100, C deleted on the plus strand (G on the coding strand, the reverse complement: GLDC is on the minus strand). VCF-style (leftmost placement, unchanged base first): chr9-6540099-AC-A. GRCh37 (hg19) VCF-style: chr9-6540099-AC-A.
Other names: short protein forms K872fs.
Identifiers: ClinVar variation 5011473 (VCV005011473.1).

ClinVar aggregate classification (germline): Pathogenic (1 of 4 stars; one submission).

Conditions:
Glycine encephalopathy 1 (GCE1). Identifiers: MedGen CN376801, MONDO:0958179, OMIM 605899.

Submission:

Myriad Genetics, Inc.
Classification: Pathogenic for Glycine encephalopathy 1. Last evaluated: 2023-08-25. Review status: criteria provided, single submitter. Criteria: Myriad Autosomal Dominant, Autosomal Recessive and X-Linked Classification Criteria (2023). Collection method: clinical testing. Allele origin: unknown.
Comment: NM_000170.2(GLDC):c.2616delG(K872Nfs*52) is expected to be pathogenic in the context of glycine encephalopathy, GLDC-related. This variant is predicted to lead to an abnormal or absent protein product due to the creation of a premature termination codon in GLDC, a gene where loss-of-function variants are known to be pathogenic. Please note: this variant was assessed in the context of healthy population screening.